The following is an entry in ClinVar:

NM_000341.4(SLC3A1):c.1799G>A (p.Gly600Glu)

Genes: PREPL (prolyl endopeptidase like; minus strand), SLC3A1 (solute carrier family 3 member 1; plus strand). Cytogenetic location: 2p21.
Variant type: single nucleotide variant.
Coding change: c.1799G>A on transcript NM_000341.4 (MANE Select); coding-DNA position 1799, G replaced by A.
Protein change: p.Gly600Glu; replaces glycine 600 with glutamic acid.
Molecular consequence: missense variant. On other transcripts: 3 prime UTR variant (10).
Genome position (GRCh38, 1-based): chr2:44,320,380, G>A. VCF-style: chr2-44320380-G-A. GRCh37 (hg19) VCF-style: chr2-44547519-G-A.
Other names: c.*976C>T (NM_001042385.2, NM_001042386.2, NM_001171603.1 and 7 more transcripts); short protein forms G600E.
Identifiers: ClinVar variation 1344665 (VCV001344665.26), dbSNP rs141944551, ClinGen allele CA1640763.

ClinVar aggregate classification (germline): Conflicting classifications of pathogenicity. Review status: criteria provided, conflicting classifications (1 of 4 stars). 6 submissions from 6 submitters: Likely pathogenic (1); Uncertain significance (4). 1 of the submissions does not count toward it. Last evaluated 2024-05-01.

Conditions:
Cystinuria (CSNU). Also called: CYSTINURIA, TYPE I; CYSTINURIA, TYPE II; CYSTINURIA, TYPE III; Cystinuria, non-type I. Identifiers: Orphanet 214, MedGen C0010691, MONDO:0009067, OMIM 220100, HP:0003131.

Allele frequency attached by ClinVar (database versions not stated): ExAC 0.00007; gnomAD exomes 0.00008; gnomAD 0.00009; TOPMed 0.00009; ESP Exome Variant Server 0.00031.
gnomAD v4.1: 241 of 1,613,900 alleles (0.015%); highest among the groups gnomAD compares: Non-Finnish European, 0.019%; no homozygotes.

Submissions (6):

CeGaT Center for Human Genetics Tuebingen
Classification: Likely pathogenic. Last evaluated: 2024-05-01. Review status: criteria provided, single submitter. Criteria: CeGaT Center For Human Genetics Tuebingen Variant Classification Criteria Version 2. Collection method: clinical testing. Allele origin: germline. Affected: yes. Observed: 1 variant allele.
Comment: SLC3A1: PM3:Strong, PM2

Blueprint Genetics
Classification: Uncertain significance. Last evaluated: 2024-03-26. Review status: criteria provided, single submitter. Criteria: ACMG Guidelines, 2015. Collection method: clinical testing. Allele origin: germline.

Fulgent Genetics
Classification: Uncertain significance for Cystinuria. Last evaluated: 2024-03-25. Review status: criteria provided, single submitter. Criteria: ACMG Guidelines, 2015. Collection method: clinical testing. Allele origin: germline.

Department of Pathology and Laboratory Medicine, Sinai Health System
Classification: Uncertain significance for Cystinuria. Last evaluated: 2023-02-10. Review status: criteria provided, single submitter. Criteria: ACMG Guidelines, 2015. Collection method: research. Allele origin: germline.

Labcorp Genetics (formerly Invitae), Labcorp
Classification: Uncertain significance for Cystinuria. Last evaluated: 2022-08-06. Review status: criteria provided, single submitter. Criteria: Invitae Variant Classification Sherloc (09022015). Collection method: clinical testing. Allele origin: germline.
Comment: This sequence change replaces glycine, which is neutral and non-polar, with glutamic acid, which is acidic and polar, at codon 600 of the SLC3A1 protein (p.Gly600Glu). This variant is present in population databases (rs141944551, gnomAD 0.01%). In summary, the available evidence is currently insufficient to determine the role of this variant in disease. Therefore, it has been classified as a Variant of Uncertain Significance. Algorithms developed to predict the effect of missense changes on protein structure and function are either unavailable or do not agree on the potential impact of this missense change (SIFT: "Deleterious"; PolyPhen-2: "Probably Damaging"; Align-GVGD: "Class C0"). ClinVar contains an entry for this variant (Variation ID: 1344665). This missense change has been observed in individual(s) with clinical features of cystinuria (PMID: 11748844, 25964309, 30773290).

Yale Center for Mendelian Genomics, Yale University
Classification: Likely pathogenic for Cystinuria. Last evaluated: 2019-02-14. Review status: no assertion criteria provided. Collection method: literature only. Allele origin: germline. Affected: yes. Observed: 1 heterozygote. Study: Yale Center for Mendelian Genomics. Not counted in ClinVar's aggregate classification.

Literature cited by the submitters: PubMed 11748844 (cited by Labcorp Genetics (formerly Invitae), Labcorp); PubMed 25964309 (cited by Labcorp Genetics (formerly Invitae), Labcorp); PubMed 30773290 (cited by Labcorp Genetics (formerly Invitae), Labcorp and Yale Center for Mendelian Genomics, Yale University).